The following is an entry in ClinVar:

ClinVar aggregate classification (germline): Uncertain significance (1 of 4 stars; one submission).

Submission:

GeneDx
Classification: Uncertain significance. Last evaluated: 2024-03-25. Review status: criteria provided, single submitter. Criteria: GeneDx Variant Classification Process June 2021. Collection method: clinical testing. Allele origin: germline. Affected: yes.
Comment: Not observed at significant frequency in large population cohorts (gnomAD); In silico analysis supports that this missense variant has a deleterious effect on protein structure/function; Has not been previously published as pathogenic or benign to our knowledge

NM_001178015.2(SLC4A10):c.464G>T (p.Ser155Ile)

Gene: SLC4A10 (solute carrier family 4 member 10; plus strand). Cytogenetic location: 2q24.2.
Variant type: single nucleotide variant.
Coding change: c.464G>T on transcript NM_001178015.2 (MANE Select); coding-DNA position 464, G replaced by T.
Protein change: p.Ser155Ile; replaces serine 155 with isoleucine.
Molecular consequence: missense variant. On other transcripts: 5 prime UTR variant (1).
Genome position (GRCh38, 1-based): chr2:161,855,017, G>T. VCF-style: chr2-161855017-G-T. GRCh37 (hg19) VCF-style: chr2-162711527-G-T.
Other names: c.500G>T, p.Ser167Ile (NM_001354460.2, NM_001354461.2, NM_001354443.2 and 1 more transcripts); c.464G>T, p.Ser155Ile (NM_022058.4, NM_001354440.2, NM_001354444.2 and 4 more transcripts); c.497G>T, p.Ser166Ile (NM_001178016.2, NM_001354441.2, NM_001354442.2 and 2 more transcripts); c.317G>T, p.Ser106Ile (NM_001354453.2); c.-222G>T (NM_001354455.2); short protein forms S106I, S155I, S166I, S167I.
Identifiers: ClinVar variation 3371576 (VCV003371576.1).